The following is an entry in ClinVar:

ClinVar aggregate classification (germline): Pathogenic/Likely pathogenic. Review status: criteria provided, multiple submitters, no conflicts (2 of 4 stars). 3 submissions from 3 submitters: Pathogenic (1); Likely pathogenic (2). Last evaluated 2026-01-26.

Conditions:
CFTR-related disorder (CFTR-RD). Also called: CFTR-related disorders; CFTR-related condition. Identifiers: MedGen C5924204, MONDO:7770004.
Cystic fibrosis (CF). Also called: MUCOVISCIDOSIS. Identifiers: Orphanet 586, MedGen C0010674, MONDO:0009061, OMIM 219700. Disease mechanism: loss of function.

Submissions (3):

Women's Health and Genetics/Laboratory Corporation of America, LabCorp
Classification: Pathogenic for Cystic fibrosis. Last evaluated: 2026-01-26. Review status: criteria provided, single submitter. Criteria: LabCorp Variant Classification Summary - May 2015. Collection method: clinical testing. Allele origin: germline.
Comment: Variant summary: CFTR c.4078delG (p.Val1360PhefsX20) results in a premature termination codon, predicted to cause a truncation of the encoded protein or absence of the protein due to nonsense mediated decay, which are commonly known mechanisms for disease. The variant was absent in 251266 control chromosomes (gnomAD). c.4078delG has been observed in at least one individual affected with Cystic Fibrosis (Chernykh_2023). To our knowledge, no experimental evidence demonstrating an impact on protein function has been reported. The following publication have been ascertained in the context of this evaluation (PMID: 38003474). ClinVar contains an entry for this variant (Variation ID: 439081). Based on the evidence outlined above, the variant was classified as pathogenic.

Natera, Inc.
Classification: Likely pathogenic for CFTR-related disorders. Last evaluated: 2025-10-22. Review status: criteria provided, single submitter. Criteria: Natera Variant Classification Schema (03/2026). Collection method: clinical testing. Allele origin: germline.
Comment: The c.4078delG variant in CFTR is a frameshift variant predicted to shift the reading frame beginning at codon 1360 and leads to a stop codon 20 codons downstream. This variant is expected to result in nonsense mediated decay, truncation, or a dysfunctional protein product. This variant is rare in the general population with a frequency below the threshold expected for the associated phenotype(s). Given the available evidence, this variant is classified as Likely Pathogenic.

Quest Diagnostics Nichols Institute San Juan Capistrano
Classification: Likely pathogenic. Last evaluated: 2017-01-26. Review status: criteria provided, single submitter. Criteria: Quest Diagnostics criteria. Collection method: clinical testing. Allele origin: germline.

Literature cited by the submitters: PubMed 38003474 (cited by Women's Health and Genetics/Laboratory Corporation of America, LabCorp).

NM_000492.4(CFTR):c.4078del (p.Val1360fs)

Gene: CFTR (CF transmembrane conductance regulator; plus strand). Cytogenetic location: 7q31.2.
Variant type: Deletion.
Coding change: c.4078del on transcript NM_000492.4 (MANE Select); coding-DNA position 4078, one base deleted (G; older notation c.4078delG).
Protein change: p.Val1360fs; shifts the reading frame from valine 1360.
Molecular consequence: frameshift variant.
Genome position (GRCh38, 1-based): chr7:117,664,802, G deleted. VCF-style (leftmost placement, unchanged base first): chr7-117664801-TG-T. GRCh37 (hg19) VCF-style: chr7-117304855-TG-T.
Other names: c.4078delG (NM_000492.4, NM_000492.3); short protein forms V1360fs.
Identifiers: ClinVar variation 439081 (VCV000439081.4), dbSNP rs1554397515, ClinGen allele CA645509183.
Genomic context (GRCh38, chr7:117,664,801, plus strand): 5'-TGTGGATGGGGGCTGTGTCCTAAGCCATGGCCACAAGCAGTTGATGTGCTTGGCTAGATC[TG>T]TTCTCAGTAAGGCGAAGATCTTGCTGCTTGATGAACCCAGTGCTCATTTGGATCCAGTGT-3'